The following is an entry in ClinVar:

ClinVar aggregate classification (germline): Likely pathogenic (1 of 4 stars; one submission).

Conditions:
Congenital contractures of the limbs and face, hypotonia, and developmental delay (CLIFAHDD). Identifiers: Orphanet 562528, MedGen C4225398, MONDO:0014556, OMIM 616266.

Submission:

Diagnostics Services (NGS), CSIR - Centre For Cellular And Molecular Biology
Classification: Likely pathogenic for Congenital contractures of the limbs and face, hypotonia, and developmental delay. Last evaluated: 2024-06-11. Review status: criteria provided, single submitter. Criteria: ACMG Guidelines, 2015. Collection method: clinical testing. Allele origin: unknown. Affected: yes. Observed: 1 variant allele, 1 heterozygote.
Comment: The c.3057+2T>G variant is not present in populatin databases like 1000 Genomes, EVS, ExAC, gnomAD, Indian Exome Database and our in-house exome database. This variant has neither been published in literature with NALCN-related conditions nor reported to clinical databases like ClinVar, HGMD or OMIM, in any affected individuals. Algorithms developed to predict the effect of sequence changes on RNA splicing suggest that this variant can disrupt the consensus splice site. In-silico pathogenicity prediction programs like MutationTaster2, CADD, Varsome, Franklin etc predicted this variant to be likely deleterious however these predictions were not confirmed by published functional/translational studies.

NM_052867.4(NALCN):c.3057+2T>G

Gene: NALCN (sodium leak channel, non-selective; minus strand). Cytogenetic location: 13q33.1.
Variant type: single nucleotide variant.
Coding change: c.3057+2T>G on transcript NM_052867.4 (MANE Select); the canonical splice donor site of the intron after coding-DNA position 3057, T replaced by G.
Molecular consequence: splice donor variant.
Genome position (GRCh38, 1-based): chr13:101,103,170, A>C on the plus strand (T>G on the coding strand, the complement: NALCN is on the minus strand). VCF-style: chr13-101103170-A-C. GRCh37 (hg19) VCF-style: chr13-101755521-A-C.
Other names: c.2970+2T>G (NM_001350751.2, NM_001350750.2); c.3057+2T>G (NM_001350749.2); c.3144+2T>G (NM_001350748.2).
Identifiers: ClinVar variation 3251990 (VCV003251990.1), dbSNP rs2502140131.